The following is an entry in ClinVar:

NM_002880.4(RAF1):c.990+9A>G

Gene: RAF1 (Raf-1 proto-oncogene, serine/threonine kinase; minus strand). Cytogenetic location: 3p25.2.
Variant type: single nucleotide variant.
Coding change: c.990+9A>G on transcript NM_002880.4 (MANE Select); 9 bases into the intron after coding-DNA position 990, A replaced by G.
Molecular consequence: intron variant.
Genome position (GRCh38, 1-based): chr3:12,600,143, T>C on the plus strand (A>G on the coding strand, the complement: RAF1 is on the minus strand). VCF-style: chr3-12600143-T-C. GRCh37 (hg19) VCF-style: chr3-12641642-T-C.
Other names: c.648+9A>G (NM_001354695.3); c.747+9A>G (NM_001354692.3, NM_001354691.3); c.807+9A>G (NM_001354694.3); c.891+9A>G (NM_001354693.3); c.1050+9A>G (NM_001354689.3); c.990+9A>G (NM_001354690.3).
Identifiers: ClinVar variation 227890 (VCV000227890.15), dbSNP rs559532794, ClinGen allele CA10576601.

ClinVar aggregate classification (germline): Likely benign. Review status: criteria provided, multiple submitters, no conflicts (2 of 4 stars). 3 submissions from 3 submitters: Likely benign (3). Last evaluated 2026-01-06.

Conditions:
RASopathy. Also called: rasopathies; Noonan spectrum disorder. Identifiers: Orphanet 536391, MedGen C5555857, MONDO:0021060.

Allele frequency attached by ClinVar (database versions not stated): gnomAD exomes below 0.00001 and 0.00001; TOPMed below 0.00001; gnomAD 0.00001 and 0.00003; 1000 Genomes Project 30x 0.00031; 1000 Genomes Project 0.00040.
gnomAD v4.1: 8 of 1,614,104 alleles (0.0005%); highest among the groups gnomAD compares: East Asian, 0.0089%; no homozygotes.

Submissions (3):

Labcorp Genetics (formerly Invitae), Labcorp
Classification: Likely benign for RASopathy. Last evaluated: 2026-01-06. Review status: criteria provided, single submitter. Criteria: Invitae Variant Classification Sherloc (09022015). Collection method: clinical testing. Allele origin: germline.

Laboratory for Molecular Medicine, Mass General Brigham Personalized Medicine
Classification: Likely benign. Last evaluated: 2015-10-22. Review status: criteria provided, single submitter. Criteria: LMM Criteria. Collection method: clinical testing. Allele origin: germline. Observed: 1 variant allele.
Comment: c.990+9A>G in intron 9 of RAF1: This variant is not expected to have clinical si gnificance because it does not alter an amino acid residue and is not located wi thin the splice consensus sequence. It has been identified in 2/5008 African Ca rribbean chromosomes by the 1000 Genomes Project (dbSNP rs559532794).

Breakthrough Genomics
Classification: Likely benign. Review status: criteria provided, single submitter. Criteria: ACMG Guidelines, 2015. Collection method: not provided. Allele origin: germline. Inheritance: Autosomal dominant inheritance. Affected: yes.